The following is an entry in ClinVar:

NM_001370259.2(MEN1):c.1782C>A (p.Thr594=)

Gene: MEN1 (menin 1; minus strand). Cytogenetic location: 11q13.1.
Variant type: single nucleotide variant.
Coding change: c.1782C>A on transcript NM_001370259.2 (MANE Select); coding-DNA position 1782, C replaced by A.
Protein change: p.Thr594=; no amino-acid change (threonine 594 retained).
Molecular consequence: synonymous variant. On other transcripts: non-coding transcript variant (4).
Genome position (GRCh38, 1-based): chr11:64,804,385, G>T on the plus strand (C>A on the coding strand, the complement: MEN1 is on the minus strand). VCF-style: chr11-64804385-G-T. GRCh37 (hg19) VCF-style: chr11-64571857-G-T.
Other names: c.1797C>A, p.Thr599= (NM_000244.4, NM_001407145.1, NM_130800.3 and 4 more transcripts); c.1908C>A, p.Thr636= (NM_001370251.2, NM_001407142.1, NM_001407143.1 and 1 more transcripts); c.1782C>A, p.Thr594= (NM_001370260.2, NM_001370261.2, NM_001407146.1 and 2 more transcripts); c.1677C>A, p.Thr559= (NM_001370262.2, NM_001370263.2, NM_001407148.1 and 1 more transcripts); c.1923C>A, p.Thr641= (NM_001407150.1); c.1803C>A, p.Thr601= (NM_001407151.1); c.1617C>A, p.Thr539= (NM_001407152.1).
Identifiers: ClinVar variation 1780019 (VCV001780019.3), dbSNP rs2136077771, ClinGen allele CA475162995.

ClinVar aggregate classification (germline): Benign/Likely benign. Review status: criteria provided, multiple submitters, no conflicts (2 of 4 stars). 2 submissions from 2 submitters: Benign (1); Likely benign (1). Last evaluated 2024-11-05.

Conditions:
Hereditary cancer-predisposing syndrome. Also called: Tumor predisposition; Neoplastic Syndromes, Hereditary; Hereditary Cancer Syndrome; Hereditary neoplastic syndrome. Identifiers: Orphanet 140162, MedGen C0027672, MeSH D009386, MONDO:0015356.
Multiple endocrine neoplasia, type 1 (MEN1). Also called: MEN I; WERMER SYNDROME; Endocrine adenomatosis multiple; MEN 1; MEA I. Identifiers: Orphanet 652, MedGen C0025267, MeSH D018761, MONDO:0007540, OMIM 131100.

Submissions (2):

Myriad Genetics, Inc.
Classification: Benign for Multiple endocrine neoplasia, type 1. Last evaluated: 2024-11-05. Review status: criteria provided, single submitter. Criteria: Myriad Autosomal Dominant, Autosomal Recessive and X-Linked Classification Criteria (2023). Collection method: clinical testing. Allele origin: unknown.
Comment: This variant is considered benign. This variant is a silent/synonymous amino acid change and it is not expected to impact splicing.

Ambry Genetics
Classification: Likely benign for Hereditary cancer-predisposing syndrome. Last evaluated: 2020-11-01. Review status: criteria provided, single submitter. Criteria: Ambry Variant Classification Scheme 2023. Collection method: clinical testing. Allele origin: germline.